The following is an entry in ClinVar:

NM_003221.4(TFAP2B):c.1040C>T (p.Pro347Leu)

Gene: TFAP2B (transcription factor AP-2 beta; plus strand). Cytogenetic location: 6p12.3.
Variant type: single nucleotide variant.
Coding change: c.1040C>T on transcript NM_003221.4 (MANE Select); coding-DNA position 1040, C replaced by T.
Protein change: p.Pro347Leu; replaces proline 347 with leucine.
Molecular consequence: missense variant.
Genome position (GRCh38, 1-based): chr6:50,840,255, C>T. VCF-style: chr6-50840255-C-T. GRCh37 (hg19) VCF-style: chr6-50807968-C-T.
Other names: short protein forms P347L.
Identifiers: ClinVar variation 4769243 (VCV004769243.1).

ClinVar aggregate classification (germline): Uncertain significance (1 of 4 stars; one submission).

gnomAD v4.1: 2 of 1,614,106 alleles (0.00012%); highest among the groups gnomAD compares: South Asian, 0.0011%; no homozygotes.

Submission:

Labcorp Genetics (formerly Invitae), Labcorp
Classification: Uncertain significance. Last evaluated: 2025-12-03. Review status: criteria provided, single submitter. Criteria: Invitae Variant Classification Sherloc (09022015). Collection method: clinical testing. Allele origin: germline.
Comment: This sequence change replaces proline, which is neutral and non-polar, with leucine, which is neutral and non-polar, at codon 347 of the TFAP2B protein (p.Pro347Leu). This variant is not present in population databases (gnomAD no frequency). This variant has not been reported in the literature in individuals affected with TFAP2B-related conditions. Invitae Evidence Modeling of protein sequence and biophysical properties (such as structural, functional, and spatial information, amino acid conservation, physicochemical variation, residue mobility, and thermodynamic stability) indicates that this missense variant is not expected to disrupt TFAP2B protein function with a negative predictive value of 80%. In summary, the available evidence is currently insufficient to determine the role of this variant in disease. Therefore, it has been classified as a Variant of Uncertain Significance.